The following is an entry in ClinVar:

ClinVar aggregate classification (germline): Likely pathogenic (1 of 4 stars; one submission).

Submission:

Labcorp Genetics (formerly Invitae), Labcorp
Classification: Likely pathogenic. Last evaluated: 2022-09-29. Review status: criteria provided, single submitter. Criteria: Invitae Variant Classification Sherloc (09022015). Collection method: clinical testing. Allele origin: germline.
Comment: This sequence change replaces arginine, which is basic and polar, with threonine, which is neutral and polar, at codon 271 of the LMX1B protein (p.Arg271Thr). In summary, the currently available evidence indicates that the variant is pathogenic, but additional data are needed to prove that conclusively. Therefore, this variant has been classified as Likely Pathogenic. This variant disrupts the p.Arg271 amino acid residue in LMX1B. Other variant(s) that disrupt this residue have been determined to be pathogenic (PMID: 18595794). This suggests that this residue is clinically significant, and that variants that disrupt this residue are likely to be disease-causing. Advanced modeling of protein sequence and biophysical properties (such as structural, functional, and spatial information, amino acid conservation, physicochemical variation, residue mobility, and thermodynamic stability) performed at Invitae indicates that this missense variant is expected to disrupt LMX1B protein function. This missense change has been observed in individual(s) with nail-patella syndrome (Invitae). This variant is not present in population databases (gnomAD no frequency).

Literature cited by the submitters: PubMed 18595794.

NM_001174147.2(LMX1B):c.812G>C (p.Arg271Thr)

Gene: LMX1B (LIM homeobox transcription factor 1 beta; plus strand). Cytogenetic location: 9q33.3.
Variant type: single nucleotide variant.
Coding change: c.812G>C on transcript NM_001174147.2 (MANE Select); coding-DNA position 812, G replaced by C.
Protein change: p.Arg271Thr; replaces arginine 271 with threonine.
Molecular consequence: missense variant.
Genome position (GRCh38, 1-based): chr9:126,693,594, G>C. VCF-style: chr9-126693594-G-C. GRCh37 (hg19) VCF-style: chr9-129455873-G-C.
Other names: c.812G>C, p.Arg271Thr (NM_001174146.2, NM_002316.4); short protein forms R271T.
Identifiers: ClinVar variation 2003052 (VCV002003052.4), dbSNP rs2490689252, ClinGen allele CA374913954.
Genomic context (GRCh38, chr9:126,693,594, plus strand): 5'-CACTGGCAGCTGAGACGGGCCTCAGTGTGCGCGTGGTCCAGGTCTGGTTTCAGAACCAAA[G>C]AGCAAAGGTAAGAGGCCACCCCCCATCCCCACTGGCCCCGGGTAGGGTGGGACTAGAGGG-3'
Protein context (NP_001167618.1, residues 261-281): RVVQVWFQNQ[Arg271Thr]AKMKKLARRH